The following is an entry in ClinVar:

ClinVar aggregate classification (germline): Uncertain significance. Review status: criteria provided, multiple submitters, no conflicts (2 of 4 stars). 2 submissions from 2 submitters: Uncertain significance (2). Last evaluated 2026-01-17.

Conditions:
Inborn genetic diseases. Identifiers: MedGen C0950123, MeSH D030342.

Allele frequency attached by ClinVar (database versions not stated): gnomAD 0.00001; gnomAD exomes 0.00004; TOPMed 0.00005; ExAC 0.00006.
gnomAD v4.1: 29 of 1,614,038 alleles (0.0018%); highest among the groups gnomAD compares: Admixed American, 0.047%; no homozygotes.

Submissions (2):

Labcorp Genetics (formerly Invitae), Labcorp
Classification: Uncertain significance. Last evaluated: 2026-01-17. Review status: criteria provided, single submitter. Criteria: Invitae Variant Classification Sherloc (09022015). Collection method: clinical testing. Allele origin: germline.
Comment: This sequence change replaces cysteine, which is neutral and slightly polar, with serine, which is neutral and polar, at codon 1237 of the IGF1R protein (p.Cys1237Ser). This variant is present in population databases (rs757046261, gnomAD 0.06%). This variant has not been reported in the literature in individuals affected with IGF1R-related conditions. ClinVar contains an entry for this variant (Variation ID: 2159416). Invitae Evidence Modeling of protein sequence and biophysical properties (such as structural, functional, and spatial information, amino acid conservation, physicochemical variation, residue mobility, and thermodynamic stability) indicates that this missense variant is expected to disrupt IGF1R protein function with a positive predictive value of 80%. In summary, the available evidence is currently insufficient to determine the role of this variant in disease. Therefore, it has been classified as a Variant of Uncertain Significance.

Ambry Genetics
Classification: Uncertain significance for Inborn genetic diseases. Last evaluated: 2022-02-22. Review status: criteria provided, single submitter. Criteria: Ambry Variant Classification Scheme 2023. Collection method: clinical testing. Allele origin: germline.

NM_000875.5(IGF1R):c.3709T>A (p.Cys1237Ser)

Gene: IGF1R (insulin like growth factor 1 receptor; plus strand). Cytogenetic location: 15q26.3.
Variant type: single nucleotide variant.
Coding change: c.3709T>A on transcript NM_000875.5 (MANE Select); coding-DNA position 3709, T replaced by A.
Protein change: p.Cys1237Ser; replaces cysteine 1237 with serine.
Molecular consequence: missense variant.
Genome position (GRCh38, 1-based): chr15:98,948,695, T>A. VCF-style: chr15-98948695-T-A. GRCh37 (hg19) VCF-style: chr15-99491924-T-A.
Other names: c.3709T>A (NM_000875.3); c.3706T>A, p.Cys1236Ser (NM_001291858.2); short protein forms C1236S, C1237S.
Identifiers: ClinVar variation 2159416 (VCV002159416.5), dbSNP rs757046261, ClinGen allele CA7752756.
Genomic context (GRCh38, chr15:98,948,695, plus strand): 5'-TCCAACGAGCAAGTCCTTCGCTTCGTCATGGAGGGCGGCCTTCTGGACAAGCCAGACAAC[T>A]GTCCTGACATGCTGTACGTACTTCCTGGGCCCTCCGTGCTCTTCTGAGTTCTCTTCTCAA-3'
Protein context (NP_000866.1, residues 1227-1247): EGGLLDKPDN[Cys1237Ser]PDMLFELMRM